The following is an entry in ClinVar:

ClinVar aggregate classification (germline): Uncertain significance (1 of 4 stars; one submission).

Submission:

Ambry Genetics
Classification: Uncertain significance. Last evaluated: 2022-01-10. Review status: criteria provided, single submitter. Criteria: Ambry Variant Classification Scheme 2023. Collection method: clinical testing. Allele origin: germline.
Comment: The p.R314H variant (also known as c.941G>A), located in coding exon 6 of the BUB3 gene, results from a G to A substitution at nucleotide position 941. The arginine at codon 314 is replaced by histidine, an amino acid with highly similar properties. This amino acid position is conserved. In addition, the in silico prediction for this alteration is inconclusive. Since supporting evidence is limited at this time, the clinical significance of this alteration remains unclear.

NM_004725.4(BUB3):c.941G>A (p.Arg314His)

Gene: BUB3 (BUB3 mitotic checkpoint protein; plus strand). Cytogenetic location: 10q26.13.
Variant type: single nucleotide variant.
Coding change: c.941G>A on transcript NM_004725.4 (MANE Select); coding-DNA position 941, G replaced by A.
Protein change: p.Arg314His; replaces arginine 314 with histidine.
Molecular consequence: missense variant.
Genome position (GRCh38, 1-based): chr10:123,162,798, G>A. VCF-style: chr10-123162798-G-A. GRCh37 (hg19) VCF-style: chr10-124922314-G-A.
Other names: c.941G>A, p.Arg314His (NM_001007793.3); short protein forms R314H.
Identifiers: ClinVar variation 1766899 (VCV001766899.2), dbSNP rs2493767343, ClinGen allele CA378627257.